The following is an entry in ClinVar:

ClinVar aggregate classification (germline): Uncertain significance (1 of 4 stars; one submission).

Conditions:
Cardiovascular phenotype. Identifiers: MedGen CN230736.

gnomAD v4.1: 1 of 1,613,960 alleles (0.000062%); highest among the groups gnomAD compares: Non-Finnish European, 0.000085%; no homozygotes.

Submission:

Ambry Genetics
Classification: Uncertain significance for Cardiovascular phenotype. Last evaluated: 2025-04-14. Review status: criteria provided, single submitter. Criteria: Ambry Variant Classification Scheme 2023. Collection method: clinical testing. Allele origin: germline.
Comment: The p.F157Y variant (also known as c.470T>A), located in coding exon 5 of the SPRED1 gene, results from a T to A substitution at nucleotide position 470. The phenylalanine at codon 157 is replaced by tyrosine, an amino acid with highly similar properties. This amino acid position is conserved. In addition, this alteration is predicted to be tolerated by in silico analysis. Based on the available evidence, the clinical significance of this variant remains unclear.

NM_152594.3(SPRED1):c.470T>A (p.Phe157Tyr)

Gene: SPRED1 (sprouty related EVH1 domain containing 1; plus strand). Cytogenetic location: 15q14.
Variant type: single nucleotide variant.
Coding change: c.470T>A on transcript NM_152594.3 (MANE Select); coding-DNA position 470, T replaced by A.
Protein change: p.Phe157Tyr; replaces phenylalanine 157 with tyrosine.
Molecular consequence: missense variant.
Genome position (GRCh38, 1-based): chr15:38,339,783, T>A. VCF-style: chr15-38339783-T-A. GRCh37 (hg19) VCF-style: chr15-38631984-T-A.
Other names: short protein forms F157Y.
Identifiers: ClinVar variation 3961375 (VCV003961375.1).